The following is an entry in ClinVar:

ClinVar aggregate classification (germline): Likely benign. Review status: criteria provided, multiple submitters, no conflicts (2 of 4 stars). 2 submissions from 2 submitters: Likely benign (2). Last evaluated 2018-06-14.

Allele frequency attached by ClinVar (database versions not stated): TOPMed 0.00305; gnomAD 0.00307 and 0.00409; ESP Exome Variant Server 0.00392; ExAC 0.00757; 1000 Genomes Project 30x 0.00968; 1000 Genomes Project 0.00978.
gnomAD v4.1: 7,534 of 1,174,830 alleles (0.64%); highest among the groups gnomAD compares: South Asian, 3.4%; 93 homozygotes.

Submissions (2):

GeneDx
Classification: Likely benign. Last evaluated: 2018-06-14. Review status: criteria provided, single submitter. Criteria: GeneDx Variant Classification (06012015). Collection method: clinical testing. Allele origin: germline. Affected: yes.
Comment: This variant is considered likely benign or benign based on one or more of the following criteria: it is a conservative change, it occurs at a poorly conserved position in the protein, it is predicted to be benign by multiple in silico algorithms, and/or has population frequency not consistent with disease.

Breakthrough Genomics
Classification: Likely benign. Review status: criteria provided, single submitter. Criteria: ACMG Guidelines, 2015. Collection method: not provided. Allele origin: germline. Inheritance: Autosomal recessive inheritance. Affected: yes.

NM_133259.4(LRPPRC):c.1488+40A>T

Gene: LRPPRC (leucine rich pentatricopeptide repeat containing; minus strand). Cytogenetic location: 2p21.
Variant type: single nucleotide variant.
Coding change: c.1488+40A>T on transcript NM_133259.4 (MANE Select); 40 bases into the intron after coding-DNA position 1488, A replaced by T.
Molecular consequence: intron variant.
Genome position (GRCh38, 1-based): chr2:43,963,548, T>A on the plus strand (A>T on the coding strand, the complement: LRPPRC is on the minus strand). VCF-style: chr2-43963548-T-A. GRCh37 (hg19) VCF-style: chr2-44190687-T-A.
Identifiers: ClinVar variation 675490 (VCV000675490.2), dbSNP rs201360053, ClinGen allele CA1638956.